The following is an entry in ClinVar:

NM_001283009.2(RTEL1):c.1301C>T (p.Thr434Met)

Genes: RTEL1 (regulator of telomere elongation helicase 1; plus strand), RTEL1-TNFRSF6B (RTEL1-TNFRSF6B readthrough (NMD candidate); plus strand). Cytogenetic location: 20q13.33.
Variant type: single nucleotide variant.
Coding change: c.1301C>T on transcript NM_001283009.2 (MANE Select); coding-DNA position 1301, C replaced by T.
Protein change: p.Thr434Met; replaces threonine 434 with methionine.
Molecular consequence: missense variant. On other transcripts: non-coding transcript variant (1).
Genome position (GRCh38, 1-based): chr20:63,685,825, C>T. VCF-style: chr20-63685825-C-T. GRCh37 (hg19) VCF-style: chr20-62317178-C-T.
Other names: c.632C>T, p.Thr211Met (NM_001283010.1); c.1301C>T, p.Thr434Met (NM_016434.4); c.1373C>T, p.Thr458Met (NM_032957.5); short protein forms T211M, T434M, T458M.
Identifiers: ClinVar variation 642379 (VCV000642379.48), dbSNP rs77086616, ClinGen allele CA9964727.

ClinVar aggregate classification (germline): Conflicting classifications of pathogenicity. Review status: criteria provided, conflicting classifications (1 of 4 stars). 12 submissions from 12 submitters: Uncertain significance (8); Likely benign (3). 1 of the submissions does not count toward it. Last evaluated 2026-09-25.

Conditions:
RTEL1-related disorder. Also called: RTEL1-related condition; RTEL1-related disorders.
Pulmonary fibrosis and/or bone marrow failure, Telomere-related, 3. Also called: PULMONARY FIBROSIS AND/OR BONE MARROW FAILURE SYNDROME, TELOMERE-RELATED, 3. Identifiers: Orphanet 2032, MedGen C4225346, MONDO:0014613, OMIM 616373.
Dyskeratosis congenita, autosomal recessive 5 (DKCB5). Identifiers: MedGen C3554656, MONDO:0014076, OMIM 615190.
Dyskeratosis congenita. Identifiers: Orphanet 1775, MedGen C0265965, MONDO:0015780.

Allele frequency attached by ClinVar (database versions not stated): gnomAD 0.00029 and 0.00044; TOPMed 0.00031; gnomAD exomes 0.00045 and 0.00087; ExAC 0.00049; ESP Exome Variant Server 0.00054; 1000 Genomes Project 30x 0.00125; 1000 Genomes Project 0.00160.
gnomAD v4.1: 1,314 of 1,612,632 alleles (0.081%); highest among the groups gnomAD compares: East Asian, 1.7%; 18 homozygotes.

Submissions (12):

PreventionGenetics, part of Exact Sciences
Classification: Likely benign for RTEL1-related condition. Last evaluated: 2026-09-25. Review status: criteria provided, single submitter. Criteria: ACMG Guidelines, 2015. Collection method: clinical testing. Allele origin: germline.
Comment: This variant is classified as likely benign based on ACMG/AMP sequence variant interpretation guidelines (Richards et al. 2015 PMID: 25741868, with internal and published modifications).

Labcorp Genetics (formerly Invitae), Labcorp
Classification: Likely benign for Dyskeratosis congenita, autosomal recessive 5; Pulmonary fibrosis and/or bone marrow failure, Telomere-related, 3. Last evaluated: 2026-02-02. Review status: criteria provided, single submitter. Criteria: Invitae Variant Classification Sherloc (09022015). Collection method: clinical testing. Allele origin: germline.

CeGaT Center for Human Genetics Tuebingen
Classification: Likely benign. Last evaluated: 2025-09-01. Review status: criteria provided, single submitter. Criteria: CeGaT Center For Human Genetics Tuebingen Variant Classification Criteria Version 2. Collection method: clinical testing. Allele origin: germline. Affected: yes. Observed: 2 variant alleles.
Comment: RTEL1: BP4

Blueprint Genetics
Classification: Uncertain significance. Last evaluated: 2024-11-22. Review status: criteria provided, single submitter. Criteria: ACMG Guidelines, 2015. Collection method: clinical testing. Allele origin: germline.

ARUP Laboratories, Molecular Genetics and Genomics, ARUP Laboratories
Classification: Uncertain significance. Last evaluated: 2023-12-22. Review status: criteria provided, single submitter. Criteria: ARUP Molecular Germline Variant Investigation Process 2024. Collection method: clinical testing. Allele origin: germline.

Mayo Clinic Laboratories, Mayo Clinic
Classification: Uncertain significance. Last evaluated: 2022-10-05. Review status: criteria provided, single submitter. Criteria: ACMG Guidelines, 2015. Collection method: clinical testing. Allele origin: germline. Observed: 6 variant alleles.
Comment: BS1

Baylor Genetics
Classification: Uncertain significance for Dyskeratosis congenita, autosomal recessive 5. Last evaluated: 2022-08-06. Review status: criteria provided, single submitter. Criteria: ACMG Guidelines, 2015. Collection method: clinical testing. Allele origin: unknown.

GeneDx
Classification: Uncertain significance. Last evaluated: 2022-03-28. Review status: criteria provided, single submitter. Criteria: GeneDx Variant Classification Process June 2021. Collection method: clinical testing. Allele origin: germline. Affected: yes.
Comment: In silico analysis supports that this missense variant does not alter protein structure/function; Identified with another RTEL1 variant in a patient with severe aplastic anemia (Ghemlas 2015); This variant is associated with the following publications: (PMID: 26136524, 30462709)

Sema4
Classification: Uncertain significance for Dyskeratosis congenita. Last evaluated: 2021-09-26. Review status: criteria provided, single submitter. Criteria: Sema4 Curation Guidelines. Collection method: curation. Allele origin: germline.
Comment: The RTEL1 c.1301C>T (p.T434M) variant has been reported as compound heterozygous in at least one individual with severe aplastic anemia and short telomeres (PMID: 26136524). It was also reported in patients with a glioma (PMID: 30462709). It was observed in 25/19914 chromosomes of the East Asian subpopulation, with no homozygotes, in the large and broad cohorts of the Genome Aggregation Database (PMID: 32461654). The variant has been reported in ClinVar (Variation ID: 642379). Functional studies have not been performed, and in silico predictions of the variant's effect on protein function are inconclusive. The evidence is insufficient to meet ACMG/AMP criteria for classifying the variant as benign or pathogenic. Thus, the clinical significance of this variant is currently uncertain. Please note that this variant is annotated as c.1373C>T (p.T458M) using the NM_032957.4 reference transcript. The interpretation is not changed.

Mendelics
Classification: Uncertain significance for Dyskeratosis congenita, autosomal recessive 5. Last evaluated: 2019-05-28. Review status: criteria provided, single submitter. Criteria: Mendelics Assertion Criteria 2017. Collection method: clinical testing. Allele origin: unknown.

Breakthrough Genomics
Classification: Uncertain significance. Review status: criteria provided, single submitter. Criteria: ACMG Guidelines, 2015. Collection method: not provided. Allele origin: germline. Inheritance: Autosomal dominant inheritance. Affected: yes.

Natera, Inc.
Classification: Uncertain significance for Dyskeratosis congenita. Last evaluated: 2020-01-16. Review status: no assertion criteria provided. Collection method: clinical testing. Allele origin: germline. Not counted in ClinVar's aggregate classification.

Literature cited by the submitters: PubMed 26136524 (cited by Sema4); PubMed 30462709 (cited by Sema4).